The following is an entry in ClinVar:

NM_017763.6(RNF43):c.278C>A (p.Ala93Asp)

Gene: RNF43 (ring finger protein 43; minus strand). Cytogenetic location: 17q22.
Variant type: single nucleotide variant.
Coding change: c.278C>A on transcript NM_017763.6 (MANE Select); coding-DNA position 278, C replaced by A.
Protein change: p.Ala93Asp; replaces alanine 93 with aspartic acid.
Molecular consequence: missense variant.
Genome position (GRCh38, 1-based): chr17:58,371,008, G>T on the plus strand (C>A on the coding strand, the complement: RNF43 is on the minus strand). VCF-style: chr17-58371008-G-T. GRCh37 (hg19) VCF-style: chr17-56448369-G-T.
Other names: c.278C>A, p.Ala93Asp (NM_001305544.3); c.-104C>A (NM_001305545.2); short protein forms A93D.
Identifiers: ClinVar variation 1986142 (VCV001986142.4), dbSNP rs2143515854, ClinGen allele CA400344416.

ClinVar aggregate classification (germline): Uncertain significance (1 of 4 stars; one submission).

Submission:

Labcorp Genetics (formerly Invitae), Labcorp
Classification: Uncertain significance. Last evaluated: 2022-01-11. Review status: criteria provided, single submitter. Criteria: Invitae Variant Classification Sherloc (09022015). Collection method: clinical testing. Allele origin: germline.
Comment: In summary, the available evidence is currently insufficient to determine the role of this variant in disease. Therefore, it has been classified as a Variant of Uncertain Significance. Algorithms developed to predict the effect of missense changes on protein structure and function are either unavailable or do not agree on the potential impact of this missense change (SIFT: "Deleterious"; PolyPhen-2: "Benign"; Align-GVGD: "Class C0"). This variant has not been reported in the literature in individuals affected with RNF43-related conditions. This variant is not present in population databases (gnomAD no frequency). This sequence change replaces alanine, which is neutral and non-polar, with aspartic acid, which is acidic and polar, at codon 93 of the RNF43 protein (p.Ala93Asp).